The following is an entry in ClinVar:

ClinVar aggregate classification (germline): Conflicting classifications of pathogenicity. Review status: criteria provided, conflicting classifications (1 of 4 stars). 4 submissions from 4 submitters: Uncertain significance (1); Benign (1); Likely benign (2). Last evaluated 2025-12-23.

Allele frequency attached by ClinVar (database versions not stated): gnomAD exomes 0.00011 and 0.00029; ExAC 0.00038; 1000 Genomes Project 30x 0.00109; gnomAD 0.00119 and 0.00127; ESP Exome Variant Server 0.00131; TOPMed 0.00131; 1000 Genomes Project 0.00140.
gnomAD v4.1: 355 of 1,613,990 alleles (0.022%); highest among the groups gnomAD compares: African/African-American, 0.42%; no homozygotes.

Submissions (4):

Labcorp Genetics (formerly Invitae), Labcorp
Classification: Benign. Last evaluated: 2025-12-23. Review status: criteria provided, single submitter. Criteria: Invitae Variant Classification Sherloc (09022015). Collection method: clinical testing. Allele origin: germline.

Blueprint Genetics
Classification: Likely benign. Last evaluated: 2024-09-02. Review status: criteria provided, single submitter. Criteria: ACMG Guidelines, 2015. Collection method: clinical testing. Allele origin: germline.

GeneDx
Classification: Likely benign. Last evaluated: 2018-04-20. Review status: criteria provided, single submitter. Criteria: GeneDx Variant Classification (06012015). Collection method: clinical testing. Allele origin: germline. Affected: yes.
Comment: This variant is considered likely benign or benign based on one or more of the following criteria: it is a conservative change, it occurs at a poorly conserved position in the protein, it is predicted to be benign by multiple in silico algorithms, and/or has population frequency not consistent with disease.

Eurofins Ntd Llc (ga)
Classification: Uncertain significance. Last evaluated: 2014-12-09. Review status: criteria provided, single submitter. Criteria: EGL Classification Definitions 2015. Collection method: clinical testing. Allele origin: germline. Observed: 1 variant allele, 1 heterozygote.

NM_001457.4(FLNB):c.6000T>C (p.Gly2000=)

Gene: FLNB (filamin B; plus strand). Cytogenetic location: 3p14.3.
Variant type: single nucleotide variant.
Coding change: c.6000T>C on transcript NM_001457.4 (MANE Select); coding-DNA position 6000, T replaced by C.
Protein change: p.Gly2000=; no amino-acid change (glycine 2000 retained).
Molecular consequence: synonymous variant.
Genome position (GRCh38, 1-based): chr3:58,148,761, T>C. VCF-style: chr3-58148761-T-C. GRCh37 (hg19) VCF-style: chr3-58134488-T-C.
Other names: c.6093T>C, p.Gly2031= (NM_001164317.2); c.5967T>C, p.Gly1989= (NM_001164318.2); c.5928T>C, p.Gly1976= (NM_001164319.2).
Identifiers: ClinVar variation 196971 (VCV000196971.15), dbSNP rs140926445, ClinGen allele CA244818.